The following is an entry in ClinVar:

NM_021076.4(NEFH):c.1229A>G (p.Glu410Gly)

Gene: NEFH (neurofilament heavy chain; plus strand). Cytogenetic location: 22q12.2.
Variant type: single nucleotide variant.
Coding change: c.1229A>G on transcript NM_021076.4 (MANE Select); coding-DNA position 1229, A replaced by G.
Protein change: p.Glu410Gly; replaces glutamic acid 410 with glycine.
Molecular consequence: missense variant.
Genome position (GRCh38, 1-based): chr22:29,488,869, A>G. VCF-style: chr22-29488869-A-G. GRCh37 (hg19) VCF-style: chr22-29884858-A-G.
Other names: short protein forms E410G.
Identifiers: ClinVar variation 3699418 (VCV003699418.2).

ClinVar aggregate classification (germline): Uncertain significance (1 of 4 stars; one submission).

Submission:

Labcorp Genetics (formerly Invitae), Labcorp
Classification: Uncertain significance. Last evaluated: 2024-11-11. Review status: criteria provided, single submitter. Criteria: Invitae Variant Classification Sherloc (09022015). Collection method: clinical testing. Allele origin: germline.
Comment: This sequence change replaces glutamic acid, which is acidic and polar, with glycine, which is neutral and non-polar, at codon 410 of the NEFH protein (p.Glu410Gly). This variant is not present in population databases (gnomAD no frequency). This variant has not been reported in the literature in individuals affected with NEFH-related conditions. Invitae Evidence Modeling of protein sequence and biophysical properties (such as structural, functional, and spatial information, amino acid conservation, physicochemical variation, residue mobility, and thermodynamic stability) indicates that this missense variant is expected to disrupt NEFH protein function with a positive predictive value of 95%. Algorithms developed to predict the effect of sequence changes on RNA splicing suggest that this variant may disrupt the consensus splice site. In summary, the available evidence is currently insufficient to determine the role of this variant in disease. Therefore, it has been classified as a Variant of Uncertain Significance.